The following is an entry in ClinVar:

ClinVar aggregate classification (germline): Pathogenic. Review status: criteria provided, single submitter (1 of 4 stars). 3 submissions from 3 submitters: Pathogenic (1). 2 of the submissions do not count toward it. Last evaluated 2020-03-26.

Conditions:
Early-infantile DEE. Also called: Early infantile epileptic encephalopathy with suppression bursts; Early infantile epileptic encephalopathy; Ohtahara syndrome. Identifiers: Orphanet 1934, MedGen C0393706, MONDO:0800491.
Generalized epilepsy with febrile seizures plus, type 2 (GEFSP2). Also called: GEFS+, TYPE 2. Identifiers: Orphanet 36387, MedGen C1858673, MONDO:0011461, OMIM 604403.
Generalized epilepsy with febrile seizures plus, type 1 (GEFSP1). Also called: GEFS+, TYPE 1. Identifiers: Orphanet 36387, MedGen C1858672, MONDO:0011416, OMIM 604233.

Submissions (4):

Labcorp Genetics (formerly Invitae), Labcorp
Classification: Pathogenic for Early-infantile DEE. Last evaluated: 2020-03-26. Review status: criteria provided, single submitter. Criteria: Invitae Variant Classification Sherloc (09022015). Collection method: clinical testing. Allele origin: germline.
Comment: For these reasons, this variant has been classified as Pathogenic. This variant has been reported to affect SCN1A protein function (PMID: 14672992, 23945787). This variant has been observed in individual(s) with generalized epilepsy with febrile seizures plus (PMID: 11254444). It has also been observed to segregate with disease in related individuals. ClinVar contains an entry for this variant (Variation ID: 12886). This variant is not present in population databases (ExAC no frequency). This sequence change replaces isoleucine with methionine at codon 1656 of the SCN1A protein (p.Ile1656Met). The isoleucine residue is highly conserved and there is a small physicochemical difference between isoleucine and methionine.

OMIM
Classification: Pathogenic for GENERALIZED EPILEPSY WITH FEBRILE SEIZURES PLUS, TYPE 2. Last evaluated: 2001-04-01. Review status: no assertion criteria provided. Collection method: literature only. Allele origin: germline. Not counted in ClinVar's aggregate classification.

Channelopathy-Associated Epilepsy Research Center
No classification provided (evidence only). Condition: Severe myoclonic epilepsy in infancy. Review status: no classification provided. Collection method: literature only. Allele origin: not applicable. Functional consequence: Moderate depolarizing shift of voltage dependence of activation, Increase in slope of activation, Mild hyperpolarizing shift of voltage dependence of fast inactivation, Increase in slope of fast inactivation, Normal rate of recovery from fast inactivation, Decrease in persistent current, Normal entry into slow inactivation, Normal voltage dependence of slow inactivation, Normal slope of slow inactivation, Acceleration of recovery from slow inactivation, Overall mixed or unclear functional effect not able to be clearly categorized as Gain- or Loss-of-Function. Not counted in ClinVar's aggregate classification.
ClinVar note: "not provided" was previously submitted as the classification for the variant. However, the classification appeared to be based only on an observation of functional data so it was converted to no classification on 2025-07-30.

UniProtKB/Swiss-Prot
No classification provided. Condition: Generalized epilepsy with febrile seizures plus, type 1. Review status: no classification provided. Collection method: not provided. Allele origin: unknown. Not counted in ClinVar's aggregate classification.

Literature cited by the submitters: PubMed 14672992 (cited by Labcorp Genetics (formerly Invitae), Labcorp and Channelopathy-Associated Epilepsy Research Center); PubMed 23945787 (cited by Labcorp Genetics (formerly Invitae), Labcorp); PubMed 11254444 (cited by Labcorp Genetics (formerly Invitae), Labcorp and OMIM).

NM_001165963.4(SCN1A):c.4968C>G (p.Ile1656Met)

Genes: SCN1A (sodium voltage-gated channel alpha subunit 1; minus strand), LOC102724058 (uncharacterized LOC102724058; plus strand). Cytogenetic location: 2q24.3.
Variant type: single nucleotide variant.
Coding change: c.4968C>G on transcript NM_001165963.4 (MANE Select); coding-DNA position 4968, C replaced by G.
Protein change: p.Ile1656Met; replaces isoleucine 1656 with methionine.
Molecular consequence: missense variant. On other transcripts: non-coding transcript variant (1).
Genome position (GRCh38, 1-based): chr2:165,992,307, G>C on the plus strand (C>G on the coding strand, the complement: SCN1A is on the minus strand). VCF-style: chr2-165992307-G-C. GRCh37 (hg19) VCF-style: chr2-166848817-G-C.
Other names: c.4884C>G, p.Ile1628Met (NM_001165964.3, NM_001353957.2, NM_001353958.2); c.4968C>G, p.Ile1656Met (NM_001202435.3, NM_001353948.2); c.4935C>G, p.Ile1645Met (NM_001353949.2, NM_001353950.2, NM_001353951.2 and 2 more transcripts); c.4932C>G, p.Ile1644Met (NM_001353954.2, NM_001353955.2); c.4881C>G, p.Ile1627Met (NM_001353960.2); c.2526C>G, p.Ile842Met (NM_001353961.2); short protein forms I1656M, I1645M, I1644M, I842M, I1627M, I1628M.
Identifiers: ClinVar variation 12886 (VCV000012886.11), dbSNP rs121917955, ClinGen allele CA256596.